The following is an entry in ClinVar:

ClinVar aggregate classification (germline): Likely benign. Review status: criteria provided, multiple submitters, no conflicts (2 of 4 stars). 3 submissions from 3 submitters: Likely benign (3). Last evaluated 2024-11-15.

Conditions:
RPGRIP1L-related disorder. Also called: RPGRIP1L-related condition; RPGRIP1L-related disorders. Identifiers: MedGen CN239416.
Meckel-Gruber syndrome. Also called: DYSENCEPHALIA SPLANCHNOCYSTICA; Dysencephalia splachnocystica; GRUBER SYNDROME. Identifiers: Orphanet 564, MedGen C0265215, MONDO:0018921.
Joubert syndrome. Also called: Familial aplasia of the vermis; JOUBERT-BOLTSHAUSER SYNDROME. Identifiers: Orphanet 475, MedGen C5979921, MONDO:0018772.

Allele frequency attached by ClinVar (database versions not stated): TOPMed below 0.00001.
gnomAD v4.1: 2 of 1,613,160 alleles (0.00012%); no homozygotes.

Submissions (3):

PreventionGenetics, part of Exact Sciences
Classification: Likely benign for RPGRIP1L-related condition. Last evaluated: 2024-11-15. Review status: criteria provided, single submitter. Criteria: ACMG Guidelines, 2015. Collection method: clinical testing. Allele origin: germline.
Comment: This variant is classified as likely benign based on ACMG/AMP sequence variant interpretation guidelines (Richards et al. 2015 PMID: 25741868, with internal and published modifications).

Labcorp Genetics (formerly Invitae), Labcorp
Classification: Likely benign for Joubert syndrome; Meckel-Gruber syndrome. Last evaluated: 2022-03-18. Review status: criteria provided, single submitter. Criteria: Invitae Variant Classification Sherloc (09022015). Collection method: clinical testing. Allele origin: germline.

Blueprint Genetics
Classification: Likely benign. Last evaluated: 2021-08-20. Review status: criteria provided, single submitter. Criteria: ACMG Guidelines, 2015. Collection method: clinical testing. Allele origin: germline.

NM_015272.5(RPGRIP1L):c.930G>A (p.Gly310=)

Gene: RPGRIP1L (RPGRIP1 like; minus strand). Cytogenetic location: 16q12.2.
Variant type: single nucleotide variant.
Coding change: c.930G>A on transcript NM_015272.5 (MANE Select); coding-DNA position 930, G replaced by A.
Protein change: p.Gly310=; no amino-acid change (glycine 310 retained).
Molecular consequence: synonymous variant.
Genome position (GRCh38, 1-based): chr16:53,672,969, C>T on the plus strand (G>A on the coding strand, the complement: RPGRIP1L is on the minus strand). VCF-style: chr16-53672969-C-T. GRCh37 (hg19) VCF-style: chr16-53706881-C-T.
Other names: c.930G>A (NM_015272.4); c.930G>A, p.Gly310= (NM_001127897.4, NM_001308334.3, NM_001330538.2).
Identifiers: ClinVar variation 1125128 (VCV001125128.9), dbSNP rs1968868729, ClinGen allele CA495538840.